The following is an entry in ClinVar:

ClinVar aggregate classification (germline): Uncertain significance (1 of 4 stars; one submission).

Conditions:
Developmental and epileptic encephalopathy, 12 (DEE12). Identifiers: MedGen C3150988, MONDO:0013389, OMIM 613722.

Submission:

Labcorp Genetics (formerly Invitae), Labcorp
Classification: Uncertain significance for Developmental and epileptic encephalopathy, 12. Last evaluated: 2022-02-04. Review status: criteria provided, single submitter. Criteria: Invitae Variant Classification Sherloc (09022015). Collection method: clinical testing. Allele origin: germline.
Comment: Algorithms developed to predict the effect of missense changes on protein structure and function are either unavailable or do not agree on the potential impact of this missense change (SIFT: "Deleterious"; PolyPhen-2: "Probably Damaging"; Align-GVGD: "Class C0"). This variant has not been reported in the literature in individuals affected with PLCB1-related conditions. This variant is not present in population databases (gnomAD no frequency). This sequence change replaces glutamic acid, which is acidic and polar, with glycine, which is neutral and non-polar, at codon 585 of the PLCB1 protein (p.Glu585Gly). In summary, the available evidence is currently insufficient to determine the role of this variant in disease. Therefore, it has been classified as a Variant of Uncertain Significance.

NM_015192.4(PLCB1):c.1754A>G (p.Glu585Gly)

Gene: PLCB1 (phospholipase C beta 1; plus strand). Cytogenetic location: 20p12.3.
Variant type: single nucleotide variant.
Coding change: c.1754A>G on transcript NM_015192.4 (MANE Select); coding-DNA position 1754, A replaced by G.
Protein change: p.Glu585Gly; replaces glutamic acid 585 with glycine.
Molecular consequence: missense variant.
Genome position (GRCh38, 1-based): chr20:8,727,384, A>G. VCF-style: chr20-8727384-A-G. GRCh37 (hg19) VCF-style: chr20-8708031-A-G.
Other names: c.1754A>G, p.Glu585Gly (NM_182734.3); short protein forms E585G.
Identifiers: ClinVar variation 2092870 (VCV002092870.4), dbSNP rs2515284427, ClinGen allele CA408204205.
Genomic context (GRCh38, chr20:8,727,384, plus strand): 5'-TTGAAATGTCTTCCTTCGTGGAAACCAAAGGACTTGAACAACTCACCAAGTCTCCAGTGG[A>G]ATTTGTAGAGTATCCTTGATTTGACGAATGACTGCAGAATGAACACAGCTGAAGTCTTGT-3'
Protein context (NP_056007.1, residues 575-595): GLEQLTKSPV[Glu585Gly]FVEYNKMQLS